The following is an entry in ClinVar:

NM_000535.7(PMS2):c.2576T>G (p.Ile859Ser)

Gene: PMS2 (PMS1 homolog 2, mismatch repair system component; minus strand). Cytogenetic location: 7p22.1.
Variant type: single nucleotide variant.
Coding change: c.2576T>G on transcript NM_000535.7 (MANE Select); coding-DNA position 2576, T replaced by G.
Protein change: p.Ile859Ser; replaces isoleucine 859 with serine.
Molecular consequence: missense variant. On other transcripts: non-coding transcript variant (1).
Genome position (GRCh38, 1-based): chr7:5,973,412, A>C on the plus strand (T>G on the coding strand, the complement: PMS2 is on the minus strand). VCF-style: chr7-5973412-A-C. GRCh37 (hg19) VCF-style: chr7-6013043-A-C.
Other names: c.1643T>G, p.Ile548Ser (NM_001322011.2, NM_001322012.2); c.2420T>G, p.Ile807Ser (NM_001322006.2); c.2258T>G, p.Ile753Ser (NM_001322007.2, NM_001322008.2, NM_001406883.1); c.2204T>G, p.Ile735Ser (NM_001322009.2, NM_001406887.1, NM_001406888.1); c.2015T>G, p.Ile672Ser (NM_001322010.2, NM_001406906.1, NM_001406907.1); c.2171T>G, p.Ile724Ser (NM_001322003.2, NM_001322004.2, NM_001322005.2 and 11 more transcripts); c.2003T>G, p.Ile668Ser (NM_001322013.2, NM_001406908.1, NM_001406909.1); c.2609T>G, p.Ile870Ser (NM_001322014.2); and 20 more; short protein forms I548S, I747S, I793S, I811S, I818S, I859S, I602S, I701S.
Identifiers: ClinVar variation 3891006 (VCV003891006.1).

ClinVar aggregate classification (germline): Uncertain significance (1 of 4 stars; one submission).

Conditions:
Hereditary cancer-predisposing syndrome. Also called: Tumor predisposition; Neoplastic Syndromes, Hereditary; Hereditary Cancer Syndrome; Hereditary neoplastic syndrome. Identifiers: Orphanet 140162, MedGen C0027672, MeSH D009386, MONDO:0015356.

Submission:

Ambry Genetics
Classification: Uncertain significance for Hereditary cancer-predisposing syndrome. Last evaluated: 2025-02-07. Review status: criteria provided, single submitter. Criteria: Ambry Variant Classification Scheme 2023. Collection method: clinical testing. Allele origin: germline.
Comment: The p.I859S variant (also known as c.2576T>G), located in coding exon 15 of the PMS2 gene, results from a T to G substitution at nucleotide position 2576. The isoleucine at codon 859 is replaced by serine, an amino acid with dissimilar properties. This amino acid position is conserved. In addition, the in silico prediction for this alteration is inconclusive. Based on the available evidence, the clinical significance of this variant remains unclear.